The following is an entry in ClinVar:

ClinVar aggregate classification (germline): Conflicting classifications of pathogenicity. Review status: criteria provided, conflicting classifications (1 of 4 stars). 2 submissions from 2 submitters: Uncertain significance (1); Likely benign (1). Last evaluated 2026-02-01.

Allele frequency attached by ClinVar (database versions not stated): ESP Exome Variant Server 0.00008; TOPMed 0.00014; gnomAD 0.00016 and 0.00023; gnomAD exomes 0.00018; ExAC 0.00023; 1000 Genomes Project 30x 0.00047; 1000 Genomes Project 0.00060.
gnomAD v4.1: 445 of 1,586,944 alleles (0.028%); highest among the groups gnomAD compares: East Asian, 0.68%; 2 homozygotes.

Submissions (4):

Labcorp Genetics (formerly Invitae), Labcorp
Classification: Uncertain significance. Last evaluated: 2026-02-01. Review status: criteria provided, single submitter. Criteria: Invitae Variant Classification Sherloc (09022015). Collection method: clinical testing. Allele origin: germline.
Comment: This sequence change replaces alanine, which is neutral and non-polar, with threonine, which is neutral and polar, at codon 437 of the MKL1 protein (p.Ala437Thr). This variant is present in population databases (rs72655384, gnomAD 0.1%), and has an allele count higher than expected for a pathogenic variant. This variant has not been reported in the literature in individuals affected with MKL1-related conditions. ClinVar contains an entry for this variant (Variation ID: 1683066). An algorithm developed to predict the effect of missense changes on protein structure and function outputs the following: PolyPhen-2: "Benign". The threonine amino acid residue is found in multiple mammalian species, which suggests that this missense change does not adversely affect protein function. In summary, the available evidence is currently insufficient to determine the role of this variant in disease. Therefore, it has been classified as a Variant of Uncertain Significance.

Ambry Genetics
Classification: Likely benign. Last evaluated: 2025-08-05. Review status: criteria provided, single submitter. Criteria: Ambry Variant Classification Scheme 2023. Collection method: clinical testing. Allele origin: germline.

Dr. Peter K. Rogan Lab, Western University
No classification provided (evidence only). Condition: Gastric cancer. Review status: no classification provided. Collection method: in vitro. Allele origin: not applicable. Functional consequence: retained intron. Not counted in ClinVar's aggregate classification.

Dr. Peter K. Rogan Lab, Western University
No classification provided (evidence only). Condition: Gastric cancer. Review status: no classification provided. Collection method: in vitro. Allele origin: not applicable. Functional consequence: retained intron. Not counted in ClinVar's aggregate classification.

NM_020831.6(MRTFA):c.1609G>A (p.Ala537Thr)

Gene: MRTFA (myocardin related transcription factor A; minus strand). Cytogenetic location: 22q13.1.
Variant type: single nucleotide variant.
Coding change: c.1609G>A on transcript NM_020831.6 (MANE Select); coding-DNA position 1609, G replaced by A.
Protein change: p.Ala537Thr; replaces alanine 537 with threonine.
Molecular consequence: missense variant.
Genome position (GRCh38, 1-based): chr22:40,419,129, C>T on the plus strand (G>A on the coding strand, the complement: MRTFA is on the minus strand). VCF-style: chr22-40419129-C-T. GRCh37 (hg19) VCF-style: chr22-40815133-C-T.
Other names: c.1309G>A, p.Ala437Thr (NM_001282660.2); c.1459G>A, p.Ala487Thr (NM_001282661.3); c.1609G>A, p.Ala537Thr (NM_001282662.3); c.1414G>A, p.Ala472Thr (NM_001318139.2); c.1309G>A (NM_020831.3); short protein forms A437T, A472T, A487T, A537T.
Identifiers: ClinVar variation 1683066 (VCV001683066.8), dbSNP rs72655384, ClinGen allele CA10249627.